The following is an entry in ClinVar:

NM_001267550.2(TTN):c.103524C>T (p.Val34508=)

Genes: TTN (titin; minus strand), TTN-AS1 (TTN antisense RNA 1; plus strand). Cytogenetic location: 2q31.2.
Variant type: single nucleotide variant.
Coding change: c.103524C>T on transcript NM_001267550.2 (MANE Select); coding-DNA position 103524, C replaced by T.
Protein change: p.Val34508=; no amino-acid change (valine 34508 retained).
Molecular consequence: synonymous variant.
Genome position (GRCh38, 1-based): chr2:178,533,091, G>A on the plus strand (C>T on the coding strand, the complement: TTN is on the minus strand). VCF-style: chr2-178533091-G-A. GRCh37 (hg19) VCF-style: chr2-179397818-G-A.
Other names: p.V32867V:GTC>GTT; c.98601C>T, p.Val32867= (NM_001256850.1); c.76329C>T, p.Val25443= (NM_003319.4); c.95820C>T, p.Val31940= (NM_133378.4); c.76704C>T, p.Val25568= (NM_133432.3); c.76905C>T, p.Val25635= (NM_133437.4).
Identifiers: ClinVar variation 137818 (VCV000137818.24), dbSNP rs587780985, ClinGen allele CA291492.

ClinVar aggregate classification (germline): Benign/Likely benign. Review status: criteria provided, multiple submitters, no conflicts (2 of 4 stars). 11 submissions from 8 submitters: Benign (5); Likely benign (5). 1 of the submissions does not count toward it. Last evaluated 2026-01-19.

Conditions:
TTN-related disorder. Also called: TTN-related disorders; TTN-related condition; TTN-related disease.
Cardiovascular phenotype. Identifiers: MedGen CN230736.
Dilated cardiomyopathy 1G (CMD1G). Identifiers: Orphanet 154, MedGen C1858763, MONDO:0011400, OMIM 604145.
Autosomal recessive limb-girdle muscular dystrophy type 2J (LGMDR10). Also called: Limb-girdle muscular dystrophy, type 2J; MUSCULAR DYSTROPHY, LIMB-GIRDLE, AUTOSOMAL RECESSIVE 10. Identifiers: Orphanet 140922, MedGen C1837342, MONDO:0012127, OMIM 608807.
Cardiomyopathy (CMYO). Also called: Cardiomyopathies. Identifiers: Orphanet 167848, MedGen C0878544, MONDO:0004994, HP:0001638. Inheritance: Various modes of inheritance.
Myopathy, myofibrillar, 9, with early respiratory failure (MFM9). Also called: Hereditary myopathy with early respiratory failure; MYOPATHY, PROXIMAL, WITH EARLY RESPIRATORY MUSCLE INVOLVEMENT; Myopathy, distal, with early respiratory failure, autosomal dominant; EDSTROM MYOPATHY. Identifiers: Orphanet 178464, Orphanet 34521, MedGen C1863599, MONDO:0011362, OMIM 603689.
Tibial muscular dystrophy (TMD). Also called: UDD MYOPATHY; Tibial muscular dystrophy, tardive; Udd Distal Myopathy – Tibial Muscular Dystrophy. Identifiers: Orphanet 609, MedGen C1838244, MONDO:0010870, OMIM 600334.
Early-onset myopathy with fatal cardiomyopathy (CMYO5). Also called: Salih Myopathy; CONGENITAL MYOPATHY 5 WITH CARDIOMYOPATHY. Identifiers: Orphanet 289377, MedGen C2673677, MONDO:0012714, OMIM 611705. Disease mechanism: loss of function.

Allele frequency attached by ClinVar (database versions not stated): gnomAD exomes 0.00001; gnomAD 0.00008 and 0.00007; TOPMed 0.00008; ExAC 0.00001.
gnomAD v4.1: 34 of 1,613,882 alleles (0.0021%); highest among the groups gnomAD compares: African/African-American, 0.012%; no homozygotes.

Submissions (11):

Labcorp Genetics (formerly Invitae), Labcorp
Classification: Likely benign for Dilated cardiomyopathy 1G; Autosomal recessive limb-girdle muscular dystrophy type 2J. Last evaluated: 2026-01-19. Review status: criteria provided, single submitter. Criteria: Invitae Variant Classification Sherloc (09022015). Collection method: clinical testing. Allele origin: germline.

Blueprint Genetics
Classification: Likely benign. Last evaluated: 2024-11-25. Review status: criteria provided, single submitter. Criteria: ACMG Guidelines, 2015. Collection method: clinical testing. Allele origin: germline.

CHEO Genetics Diagnostic Laboratory, Children's Hospital of Eastern Ontario
Classification: Likely benign for Cardiomyopathy. Last evaluated: 2022-11-10. Review status: criteria provided, single submitter. Criteria: ACMG Guidelines, 2015. Collection method: clinical testing. Allele origin: germline.

Genome-Nilou Lab
Classification: Benign for Autosomal recessive limb-girdle muscular dystrophy type 2J. Last evaluated: 2021-09-10. Review status: criteria provided, single submitter. Criteria: ACMG Guidelines, 2015. Collection method: clinical testing. Allele origin: germline. Affected: no.

Genome-Nilou Lab
Classification: Benign for Myopathy, myofibrillar, 9, with early respiratory failure. Last evaluated: 2021-09-10. Review status: criteria provided, single submitter. Criteria: ACMG Guidelines, 2015. Collection method: clinical testing. Allele origin: germline. Affected: no.

Genome-Nilou Lab
Classification: Benign for Early-onset myopathy with fatal cardiomyopathy. Last evaluated: 2021-09-10. Review status: criteria provided, single submitter. Criteria: ACMG Guidelines, 2015. Collection method: clinical testing. Allele origin: germline. Affected: no.

Genome-Nilou Lab
Classification: Benign for Tibial muscular dystrophy. Last evaluated: 2021-09-10. Review status: criteria provided, single submitter. Criteria: ACMG Guidelines, 2015. Collection method: clinical testing. Allele origin: germline. Affected: no.

Ambry Genetics
Classification: Likely benign for Cardiovascular phenotype. Last evaluated: 2019-02-04. Review status: criteria provided, single submitter. Criteria: Ambry Variant Classification Scheme 2023. Collection method: clinical testing. Allele origin: germline.

Laboratory for Molecular Medicine, Mass General Brigham Personalized Medicine
Classification: Likely benign. Last evaluated: 2015-07-06. Review status: criteria provided, single submitter. Criteria: LMM Criteria. Collection method: clinical testing. Allele origin: germline. Observed: 1 variant allele.
Comment: p.Val31940Val in exon 307 of TTN: This variant is not expected to have clinical significance because it does not alter an amino acid residue and is not located within the splice consensus sequence. It has been identified in 1/900 chromosome s of unspecified ancestry by the Exome Aggregation Consortium (ExAC .).

GeneDx
Classification: Benign. Last evaluated: 2014-04-07. Review status: criteria provided, single submitter. Criteria: GeneDx Variant Classification (06012015). Collection method: clinical testing. Allele origin: germline. Affected: yes.
Comment: This variant is considered likely benign or benign based on one or more of the following criteria: it is a conservative change, it occurs at a poorly conserved position in the protein, it is predicted to be benign by multiple in silico algorithms, and/or has population frequency not consistent with disease.

PreventionGenetics, part of Exact Sciences
Classification: Likely benign for TTN-related condition. Last evaluated: 2024-08-08. Review status: no assertion criteria provided. Collection method: clinical testing. Allele origin: germline. Not counted in ClinVar's aggregate classification.
Comment: This variant is classified as likely benign based on ACMG/AMP sequence variant interpretation guidelines (Richards et al. 2015 PMID: 25741868, with internal and published modifications).